The following is an entry in ClinVar:

NM_024818.6(UBA5):c.581C>T (p.Ala194Val)

Genes: NPHP3-ACAD11 (NPHP3-ACAD11 readthrough (NMD candidate); minus strand), UBA5 (ubiquitin like modifier activating enzyme 5; plus strand). Cytogenetic location: 3q22.1.
Variant type: single nucleotide variant.
Coding change: c.581C>T on transcript NM_024818.6 (MANE Select); coding-DNA position 581, C replaced by T.
Protein change: p.Ala194Val; replaces alanine 194 with valine.
Molecular consequence: missense variant.
Genome position (GRCh38, 1-based): chr3:132,671,778, C>T. VCF-style: chr3-132671778-C-T. GRCh37 (hg19) VCF-style: chr3-132390622-C-T.
Other names: c.413C>T, p.Ala138Val (NM_001320210.2, NM_198329.4); c.311C>T, p.Ala104Val (NM_001321238.2); c.245C>T, p.Ala82Val (NM_001321239.1); short protein forms A138V, A104V, A82V, A194V.
Identifiers: ClinVar variation 1432690 (VCV001432690.5), dbSNP rs1006380165, ClinGen allele CA83609877.

ClinVar aggregate classification (germline): Uncertain significance (1 of 4 stars; one submission).

Allele frequency attached by ClinVar (database versions not stated): gnomAD exomes below 0.00001; gnomAD 0.00001; TOPMed 0.00002.
gnomAD v4.1: 3 of 1,609,692 alleles (0.00019%); highest among the groups gnomAD compares: African/African-American, 0.0027%; no homozygotes.

Submission:

Labcorp Genetics (formerly Invitae), Labcorp
Classification: Uncertain significance. Last evaluated: 2023-03-23. Review status: criteria provided, single submitter. Criteria: Invitae Variant Classification Sherloc (09022015). Collection method: clinical testing. Allele origin: germline.
Comment: In summary, the available evidence is currently insufficient to determine the role of this variant in disease. Therefore, it has been classified as a Variant of Uncertain Significance. This sequence change replaces alanine with valine at codon 194 of the UBA5 protein (p.Ala194Val). The alanine residue is highly conserved and there is a small physicochemical difference between alanine and valine. This variant is present in population databases (no rsID available, gnomAD 0.007%). This variant has not been reported in the literature in individuals affected with UBA5-related conditions. ClinVar contains an entry for this variant (Variation ID: 1432690). An algorithm developed to predict the effect of missense changes on protein structure and function (PolyPhen-2) suggests that this variant¬† is likely to be tolerated.